The following is an entry in ClinVar:

ClinVar aggregate classification (germline): Uncertain significance (1 of 4 stars; one submission).

Submission:

Dasa
Classification: Uncertain significance. Last evaluated: 2025-01-30. Review status: criteria provided, single submitter. Criteria: DASA Assertion Criteria. Collection method: clinical testing. Allele origin: germline.
Comment: NM_016457.5(PRKD2):c.433T>C (p.Ser145Pro) is a missense variant that results in the substitution of serine with proline. This variant is rare in population databases. Computational prediction algorithms are consistent with a deleterious effect. The currently available literature and clinical evidence are not sufficient to establish a definitive association between this variant and the reported condition. Therefore, this variant is classified as a variant of uncertain significance.

NM_016457.5(PRKD2):c.433T>C (p.Ser145Pro)

Gene: PRKD2 (protein kinase D2; minus strand). Cytogenetic location: 19q13.32.
Variant type: single nucleotide variant.
Coding change: c.433T>C on transcript NM_016457.5 (MANE Select); coding-DNA position 433, T replaced by C.
Protein change: p.Ser145Pro; replaces serine 145 with proline.
Molecular consequence: missense variant. On other transcripts: 5 prime UTR variant (1).
Genome position (GRCh38, 1-based): chr19:46,710,985, A>G on the plus strand (T>C on the coding strand, the complement: PRKD2 is on the minus strand). VCF-style: chr19-46710985-A-G. GRCh37 (hg19) VCF-style: chr19-47214242-A-G.
Other names: c.433T>C, p.Ser145Pro (NM_001079880.2, NM_001079881.2); c.-39T>C (NM_001079882.2); short protein forms S145P.
Identifiers: ClinVar variation 4886134 (VCV004886134.2).
Genomic context (GRCh38, chr19:46,710,985, plus strand): 5'-GGCGCACTAGGCCGAAGAGCATCTCCCCGCAGTGATCACAGAAGGCAGGCGCCCGATAGG[A>G]GTGCACCGTGAGGGCGTGCGGGCGGATCTGGAAGTCCTCGAAGGTGGCCGAGGCTGTAGG-3'
Protein context (NP_057541.2, residues 135-155): QIRPHALTVH[Ser145Pro]YRAPAFCDHC